The following is an entry in ClinVar:

NM_004560.4(ROR2):c.75G>A (p.Leu25=)

Gene: ROR2 (receptor tyrosine kinase like orphan receptor 2; minus strand). Cytogenetic location: 9q22.31.
Variant type: single nucleotide variant.
Coding change: c.75G>A on transcript NM_004560.4 (MANE Select); coding-DNA position 75, G replaced by A.
Protein change: p.Leu25=; no amino-acid change (leucine 25 retained).
Molecular consequence: synonymous variant.
Genome position (GRCh38, 1-based): chr9:91,949,889, C>T on the plus strand (G>A on the coding strand, the complement: ROR2 is on the minus strand). VCF-style: chr9-91949889-C-T. GRCh37 (hg19) VCF-style: chr9-94712171-C-T.
Other names: c.75G>A, p.Leu25= (NM_001318204.2).
Identifiers: ClinVar variation 159822 (VCV000159822.27), dbSNP rs148237260, ClinGen allele CA200468.

ClinVar aggregate classification (germline): Conflicting classifications of pathogenicity. Review status: criteria provided, conflicting classifications (1 of 4 stars). 6 submissions from 5 submitters: Uncertain significance (1); Benign (4); Likely benign (1). Last evaluated 2026-01-26.

Conditions:
Brachydactyly type B1 (BDB1). Identifiers: Orphanet 572385, Orphanet 93383, MedGen C1862112, MONDO:0007220, OMIM 113000.
Autosomal recessive Robinow syndrome (RRS1). Also called: ROR2-Related Robinow Syndrome; COSTOVERTEBRAL SEGMENTATION DEFECT WITH MESOMELIA; COVESDEM SYNDROME; ROBINOW SYNDROME, AUTOSOMAL RECESSIVE 1. Identifiers: Orphanet 1507, Orphanet 97360, MedGen C5399974, MONDO:0009999, OMIM 268310.

Allele frequency attached by ClinVar (database versions not stated): ExAC 0.00489; 1000 Genomes Project 0.01218; ESP Exome Variant Server 0.01226; gnomAD 0.01291 and 0.01389; 1000 Genomes Project 30x 0.01296; TOPMed 0.01477.
gnomAD v4.1: 3,908 of 1,541,364 alleles (0.25%); highest among the groups gnomAD compares: African/African-American, 4.4%; 80 homozygotes.

Submissions (6):

Labcorp Genetics (formerly Invitae), Labcorp
Classification: Benign. Last evaluated: 2026-01-26. Review status: criteria provided, single submitter. Criteria: Invitae Variant Classification Sherloc (09022015). Collection method: clinical testing. Allele origin: germline.

GeneDx
Classification: Likely benign. Last evaluated: 2020-07-16. Review status: criteria provided, single submitter. Criteria: GeneDx Variant Classification Process June 2021. Collection method: clinical testing. Allele origin: germline. Affected: yes.

Illumina Laboratory Services, Illumina
Classification: Benign for Autosomal recessive Robinow syndrome. Last evaluated: 2018-01-12. Review status: criteria provided, single submitter. Criteria: ICSL Variant Classification Criteria 13 December 2019. Collection method: clinical testing. Allele origin: germline.
Comment: This variant was observed in the ICSL laboratory as part of a predisposition screen in an ostensibly healthy population. It had not been previously curated by ICSL or reported in the Human Gene Mutation Database (HGMD: prior to June 1st, 2018), and was therefore a candidate for classification through an automated scoring system. Utilizing variant allele frequency, disease prevalence and penetrance estimates, and inheritance mode, an automated score was calculated to assess if this variant is too frequent to cause the disease. Based on the score and internal cut-off values, a variant classified as benign is not then subjected to further curation. The score for this variant resulted in a classification of benign for this disease.

Illumina Laboratory Services, Illumina
Classification: Benign for Brachydactyly type B1. Last evaluated: 2018-01-12. Review status: criteria provided, single submitter. Criteria: ICSL Variant Classification Criteria 13 December 2019. Collection method: clinical testing. Allele origin: germline.
Comment: the same text as in the submission from Illumina Laboratory Services, Illumina above.

Eurofins Ntd Llc (ga)
Classification: Benign. Last evaluated: 2015-05-26. Review status: criteria provided, single submitter. Criteria: EGL Classification Definitions 2015. Collection method: clinical testing. Allele origin: germline. Observed: 3 variant alleles, 3 heterozygotes.

Genetic Services Laboratory, University of Chicago
Classification: Uncertain significance for Robinow syndrome, autosomal recessive. Last evaluated: 2013-02-08. Review status: criteria provided, single submitter. Criteria: ACMG Guidelines, 2007. Collection method: clinical testing. Allele origin: germline. Inheritance: Autosomal recessive inheritance.